The following is an entry in ClinVar:

NM_000455.5(STK11):c.909C>G (p.Ile303Met)

Gene: STK11 (serine/threonine kinase 11; plus strand). Cytogenetic location: 19p13.3.
Variant type: single nucleotide variant.
Coding change: c.909C>G on transcript NM_000455.5 (MANE Select); coding-DNA position 909, C replaced by G.
Protein change: p.Ile303Met; replaces isoleucine 303 with methionine.
Molecular consequence: missense variant.
Genome position (GRCh38, 1-based): chr19:1,221,995, C>G. VCF-style: chr19-1221995-C-G. GRCh37 (hg19) VCF-style: chr19-1221994-C-G.
Other names: c.909C>G, p.Ile303Met (NM_001407255.1); short protein forms I303M.
Identifiers: ClinVar variation 2138179 (VCV002138179.5), dbSNP rs1599928335, ClinGen allele CA402951304.

ClinVar aggregate classification (germline): Uncertain significance. Review status: criteria provided, multiple submitters, no conflicts (2 of 4 stars). 2 submissions from 2 submitters: Uncertain significance (2). Last evaluated 2026-04-21.

Conditions:
Hereditary cancer-predisposing syndrome. Also called: Tumor predisposition; Hereditary Cancer Syndrome; Hereditary neoplastic syndrome; Neoplastic Syndromes, Hereditary. Identifiers: Orphanet 140162, MedGen C0027672, MeSH D009386, MONDO:0015356.
Peutz-Jeghers syndrome (PJS). Also called: POLYPOSIS, HAMARTOMATOUS INTESTINAL; POLYPS-AND-SPOTS SYNDROME; Peutz-Jeghers polyposis; Periorificial lentiginosis syndrome. Identifiers: Orphanet 2869, MedGen C0031269, MeSH D010580, MONDO:0008280, OMIM 175200.

Submissions (2):

Ambry Genetics
Classification: Uncertain significance for Hereditary cancer-predisposing syndrome. Last evaluated: 2026-04-21. Review status: criteria provided, single submitter. Criteria: Ambry Variant Classification Scheme 2023. Collection method: clinical testing. Allele origin: germline.
Comment: The p.I303M variant (also known as c.909C>G), located in coding exon 7 of the STK11 gene, results from a C to G substitution at nucleotide position 909. The isoleucine at codon 303 is replaced by methionine, an amino acid with highly similar properties. This variant was reported in individual(s) with features consistent with Peutz-Jeghers syndrome (Chae HD et al. Ann Surg Treat Res, 2014 Jun;86:325-30; Chen W et al. Stem Cell Res, 2024 Dec;81:103618; Ambry internal data). This amino acid position is highly conserved in available vertebrate species. In addition, the in silico prediction for this alteration is inconclusive. Based on the available evidence, the clinical significance of this variant remains unclear.

Labcorp Genetics (formerly Invitae), Labcorp
Classification: Uncertain significance for Peutz-Jeghers syndrome. Last evaluated: 2022-05-12. Review status: criteria provided, single submitter. Criteria: Invitae Variant Classification Sherloc (09022015). Collection method: clinical testing. Allele origin: germline.
Comment: This sequence change replaces isoleucine, which is neutral and non-polar, with methionine, which is neutral and non-polar, at codon 303 of the STK11 protein (p.Ile303Met). This variant is not present in population databases (gnomAD no frequency). This missense change has been observed in individual(s) with Peutz-Jeghers syndrome (PMID: 24949325). Advanced modeling of protein sequence and biophysical properties (such as structural, functional, and spatial information, amino acid conservation, physicochemical variation, residue mobility, and thermodynamic stability) performed at Invitae indicates that this missense variant is expected to disrupt STK11 protein function. In summary, the available evidence is currently insufficient to determine the role of this variant in disease. Therefore, it has been classified as a Variant of Uncertain Significance.

Literature cited by the submitters: PubMed 24949325 (cited by Ambry Genetics and Labcorp Genetics (formerly Invitae), Labcorp); PubMed 39603093 (cited by Ambry Genetics).